The following is an entry in ClinVar:

NM_000059.4(BRCA2):c.7892T>G (p.Leu2631Arg)

Gene: BRCA2 (BRCA2 DNA repair associated; plus strand). Cytogenetic location: 13q13.1.
Variant type: single nucleotide variant.
Coding change: c.7892T>G on transcript NM_000059.4 (MANE Select); coding-DNA position 7892, T replaced by G.
Protein change: p.Leu2631Arg; replaces leucine 2631 with arginine.
Molecular consequence: missense variant.
Genome position (GRCh38, 1-based): chr13:32,362,609, T>G. VCF-style: chr13-32362609-T-G. GRCh37 (hg19) VCF-style: chr13-32936746-T-G.
Other names: c.7892T>G (NM_000059.3); short protein forms L2631R.
Identifiers: ClinVar variation 1474238 (VCV001474238.9), dbSNP rs2072746856, ClinGen allele CA387747131.

ClinVar aggregate classification (germline): Conflicting classifications of pathogenicity. Review status: criteria provided, conflicting classifications (1 of 4 stars). 2 submissions from 2 submitters: Likely pathogenic (1); Uncertain significance (1). Last evaluated 2025-09-08.

Conditions:
Hereditary cancer-predisposing syndrome. Also called: Neoplastic Syndromes, Hereditary; Hereditary Cancer Syndrome; Tumor predisposition; Hereditary neoplastic syndrome. Identifiers: Orphanet 140162, MedGen C0027672, MeSH D009386, MONDO:0015356.
Hereditary breast ovarian cancer syndrome. Also called: Breast and ovarian cancer; Hereditary breast and ovarian cancer; Hereditary breast and ovarian cancer syndrome; Hereditary breast and ovarian cancer syndrome (HBOC); BRCA1- and BRCA2-Associated Hereditary Breast and Ovarian Cancer; Hereditary breast and/or ovarian cancer syndrome. Identifiers: Orphanet 145, MedGen C0677776, MeSH D061325, MONDO:0003582. Disease mechanism: loss of function.

Submissions (2):

Ambry Genetics
Classification: Likely pathogenic for Hereditary cancer-predisposing syndrome. Last evaluated: 2025-09-08. Review status: criteria provided, single submitter. Criteria: Ambry Variant Classification Scheme 2023. Collection method: clinical testing. Allele origin: germline.
Comment: The p.L2631R variant (also known as c.7892T>G), located in coding exon 16 of the BRCA2 gene, results from a T to G substitution at nucleotide position 7892. The leucine at codon 2631 is replaced by arginine, an amino acid with dissimilar properties. Two saturation genome editing-based studies, including a haploid cell-survival assay and a humanized mouse embryonic stem cell line assay of drug response and survival, demonstrate that this nucleotide substitution is non-functional(Huang H et al. Nature. 2025 Feb;638(8050):528-537; Sahu S et al. Nature. 2025 Feb;638(8050):538-545). Another variant at the same codon, p.L2631 (c.7892T>C), has been identified in individual(s) with features consistent with BRCA2-related cancer predisposition (Ambry internal data). This amino acid position is well conserved in available vertebrate species. In addition, this alteration is predicted to be deleterious by in silico analysis. This variant is considered to be rare based on population cohorts in the Genome Aggregation Database (gnomAD). Based on the majority of available evidence to date, this variant is likely to be pathogenic.

Labcorp Genetics (formerly Invitae), Labcorp
Classification: Uncertain significance for Hereditary breast ovarian cancer syndrome. Last evaluated: 2021-04-25. Review status: criteria provided, single submitter. Criteria: Invitae Variant Classification Sherloc (09022015). Collection method: clinical testing. Allele origin: germline.
Comment: In summary, the available evidence is currently insufficient to determine the role of this variant in disease. Therefore, it has been classified as a Variant of Uncertain Significance. Advanced modeling of protein sequence and biophysical properties (such as structural, functional, and spatial information, amino acid conservation, physicochemical variation, residue mobility, and thermodynamic stability) performed at Invitae indicates that this missense variant is expected to disrupt BRCA2 protein function. This variant has not been reported in the literature in individuals with BRCA2-related conditions. This variant is not present in population databases (ExAC no frequency). This sequence change replaces leucine with arginine at codon 2631 of the BRCA2 protein (p.Leu2631Arg). The leucine residue is moderately conserved and there is a moderate physicochemical difference between leucine and arginine.